The following is an entry in ClinVar:

NM_201384.3(PLEC):c.6702C>T (p.Arg2234=)

Gene: PLEC (plectin; minus strand). Cytogenetic location: 8q24.3.
Variant type: single nucleotide variant.
Coding change: c.6702C>T on transcript NM_201384.3 (MANE Select); coding-DNA position 6702, C replaced by T.
Protein change: p.Arg2234=; no amino-acid change (arginine 2234 retained).
Molecular consequence: synonymous variant.
Genome position (GRCh38, 1-based): chr8:143,923,227, G>A on the plus strand (C>T on the coding strand, the complement: PLEC is on the minus strand). VCF-style: chr8-143923227-G-A. GRCh37 (hg19) VCF-style: chr8-144997395-G-A.
Other names: c.6783C>T, p.Arg2261= (NM_000445.5); c.6660C>T, p.Arg2220= (NM_201378.4); c.6636C>T, p.Arg2212= (NM_201379.3); c.7113C>T, p.Arg2371= (NM_201380.4); c.6606C>T, p.Arg2202= (NM_201381.3); c.6702C>T, p.Arg2234= (NM_201382.4); c.6714C>T, p.Arg2238= (NM_201383.3).
Identifiers: ClinVar variation 976549 (VCV000976549.8), dbSNP rs782604351, ClinGen allele CA4925892.
Genomic context (GRCh38, chr8:143,923,227, plus strand): 5'-GAGTGCGCGGTTCTCAGCCTCGATGCGTGCCTTGAGCTTGCTCAGCTCCTCCATCTGCAC[G>A]CGCACCGAGAAGAGCTCCTCCTCCACCTGGCTGCGCTGGCGTGCGGCCTCCGTGGCCTCC-3'
Protein context (NP_958786.1, residues 2224-2244): SQVEEELFSV[Arg2234=]VQMEELSKLK

ClinVar aggregate classification (germline): Likely benign. Review status: criteria provided, multiple submitters, no conflicts (2 of 4 stars). 2 submissions from 2 submitters: Likely benign (2). Last evaluated 2026-01-01.

Conditions:
PLEC-related disorder. Also called: PLEC-related disorders; PLEC-related condition.
Epidermolysis bullosa simplex, Ogna type (EBS5A). Also called: Pidermolysis bullosa simplex 5A, Ogna type; EPIDERMOLYSIS BULLOSA SIMPLEX 5A, OGNA TYPE. Identifiers: Orphanet 79401, MedGen C0432317, MONDO:0007555, OMIM 131950.
Epidermolysis bullosa simplex 5B, with muscular dystrophy (EBS5B). Also called: Epidermolysis bullosa simplex with muscular dystrophy; EPIDERMOLYSIS BULLOSA SIMPLEX AND LIMB-GIRDLE MUSCULAR DYSTROPHY. Identifiers: Orphanet 257, MedGen C2931072, MONDO:0009181, OMIM 226670.
Epidermolysis bullosa simplex with nail dystrophy (EBS5D). Identifiers: MedGen C4225309, MONDO:0014661, OMIM 616487.
Autosomal recessive limb-girdle muscular dystrophy type 2Q (LGMDR17). Also called: MUSCULAR DYSTROPHY, LIMB-GIRDLE, AUTOSOMAL RECESSIVE 17. Identifiers: Orphanet 254361, MedGen C3150989, MONDO:0013390, OMIM 613723.
Epidermolysis bullosa simplex 5C, with pyloric atresia (EBS5C). Also called: PLEC-Related Epidermolysis Bullosa with Pyloric Atresia; Epidermolysis bullosa simplex with pyloric atresia; PLEC1-Related Epidermolysis Bullosa with Pyloric Atresia. Identifiers: Orphanet 158684, MedGen C2677349, MONDO:0012807, OMIM 612138.

Allele frequency attached by ClinVar (database versions not stated): ExAC 0.00002; gnomAD exomes 0.00002 and 0.00003; TOPMed 0.00004.
gnomAD v4.1: 36 of 1,603,426 alleles (0.0022%); highest among the groups gnomAD compares: Middle Eastern, 0.016%; no homozygotes.

Submissions (2):

Labcorp Genetics (formerly Invitae), Labcorp
Classification: Likely benign for Autosomal recessive limb-girdle muscular dystrophy type 2Q; Epidermolysis bullosa simplex, Ogna type; Epidermolysis bullosa simplex with nail dystrophy; Epidermolysis bullosa simplex 5C, with pyloric atresia; Epidermolysis bullosa simplex 5B, with muscular dystrophy. Last evaluated: 2026-01-01. Review status: criteria provided, single submitter. Criteria: Invitae Variant Classification Sherloc (09022015). Collection method: clinical testing. Allele origin: germline.

PreventionGenetics, part of Exact Sciences
Classification: Likely benign for PLEC-related condition. Last evaluated: 2025-10-01. Review status: criteria provided, single submitter. Criteria: ACMG Guidelines, 2015. Collection method: clinical testing. Allele origin: germline.
Comment: This variant is classified as likely benign based on ACMG/AMP sequence variant interpretation guidelines (Richards et al. 2015 PMID: 25741868, with internal and published modifications).